The following is an entry in ClinVar:

NM_002303.6(LEPR):c.1286A>T (p.Asp429Val)

Gene: LEPR (leptin receptor; plus strand). Cytogenetic location: 1p31.3.
Variant type: single nucleotide variant.
Coding change: c.1286A>T on transcript NM_002303.6 (MANE Select); coding-DNA position 1286, A replaced by T.
Protein change: p.Asp429Val; replaces aspartic acid 429 with valine.
Molecular consequence: missense variant.
Genome position (GRCh38, 1-based): chr1:65,601,843, A>T. VCF-style: chr1-65601843-A-T. GRCh37 (hg19) VCF-style: chr1-66067526-A-T.
Other names: c.1286A>T, p.Asp429Val (NM_001003679.3, NM_001003680.3, NM_001198687.2 and 2 more transcripts); short protein forms D429V.
Identifiers: ClinVar variation 4995851 (VCV004995851.1).

ClinVar aggregate classification (germline): Uncertain significance (1 of 4 stars; one submission).

Conditions:
LEPR-related disorder. Also called: LEPR-related condition; LEPR-related disorders.

gnomAD v4.1: 1 of 1,611,512 alleles (0.000062%); highest among the groups gnomAD compares: Admixed American, 0.0017%; no homozygotes.

Submission:

PreventionGenetics, part of Exact Sciences
Classification: Uncertain significance for LEPR-related condition. Last evaluated: 2026-06-25. Review status: criteria provided, single submitter. Criteria: ACMG Guidelines, 2015. Collection method: clinical testing. Allele origin: germline.
Comment: The LEPR c.1286A>T variant is predicted to result in the amino acid substitution p.Asp429Val. To our knowledge, this variant has not been reported in the literature or in a large population database (gnomAD), indicating this variant is rare. At this time, the clinical significance of this variant is uncertain due to the absence of conclusive functional and genetic evidence.